The following is an entry in ClinVar:

NM_017849.4(TMEM127):c.595T>C (p.Tyr199His)

Gene: TMEM127 (transmembrane protein 127; minus strand). Cytogenetic location: 2q11.2.
Variant type: single nucleotide variant.
Coding change: c.595T>C on transcript NM_017849.4 (MANE Select); coding-DNA position 595, T replaced by C.
Protein change: p.Tyr199His; replaces tyrosine 199 with histidine.
Molecular consequence: missense variant.
Genome position (GRCh38, 1-based): chr2:96,253,930, A>G on the plus strand (T>C on the coding strand, the complement: TMEM127 is on the minus strand). VCF-style: chr2-96253930-A-G. GRCh37 (hg19) VCF-style: chr2-96919668-A-G.
Other names: c.343T>C, p.Tyr115His (NM_001407283.1, NM_001407282.1); c.595T>C, p.Tyr199His (NM_001193304.3); short protein forms Y115H, Y199H.
Identifiers: ClinVar variation 4865717 (VCV004865717.1).

ClinVar aggregate classification (germline): Uncertain significance (1 of 4 stars; one submission).

Conditions:
Hereditary cancer-predisposing syndrome. Also called: Neoplastic Syndromes, Hereditary; Tumor predisposition; Hereditary Cancer Syndrome; Hereditary neoplastic syndrome. Identifiers: Orphanet 140162, MedGen C0027672, MeSH D009386, MONDO:0015356.

Submission:

Ambry Genetics
Classification: Uncertain significance for Hereditary cancer-predisposing syndrome. Last evaluated: 2026-03-24. Review status: criteria provided, single submitter. Criteria: Ambry Variant Classification Scheme 2023. Collection method: clinical testing. Allele origin: germline.
Comment: The p.Y199H variant (also known as c.595T>C), located in coding exon 3 of the TMEM127 gene, results from a T to C substitution at nucleotide position 595. The tyrosine at codon 199 is replaced by histidine, an amino acid with similar properties. This amino acid position is conserved. In addition, this alteration is predicted to be deleterious by in silico analysis. Based on the available evidence, the clinical significance of this variant remains unclear.